The following is an entry in ClinVar:

ClinVar aggregate classification (germline): Uncertain significance. Review status: criteria provided, multiple submitters, no conflicts (2 of 4 stars). 2 submissions from 2 submitters: Uncertain significance (2). Last evaluated 2026-05-14.

Conditions:
Inborn genetic diseases. Identifiers: MedGen C0950123, MeSH D030342.
Mosaic variegated aneuploidy syndrome 2 (MVA2). Identifiers: Orphanet 1052, MedGen C3279843, MONDO:0013582, OMIM 614114.

Allele frequency attached by ClinVar (database versions not stated): gnomAD exomes below 0.00001; TOPMed below 0.00001.
gnomAD v4.1: 1 of 1,613,260 alleles (0.000062%); highest among the groups gnomAD compares: Admixed American, 0.0017%; no homozygotes.

Submissions (2):

Ambry Genetics
Classification: Uncertain significance for Inborn genetic diseases. Last evaluated: 2026-05-14. Review status: criteria provided, single submitter. Criteria: Ambry Variant Classification Scheme 2023. Collection method: clinical testing. Allele origin: germline.
Comment: The p.I154T variant (also known as c.461T>C), located in coding exon 4 of the CEP57 gene, results from a T to C substitution at nucleotide position 461. The isoleucine at codon 154 is replaced by threonine, an amino acid with similar properties. This amino acid position is conserved. In addition, this alteration is predicted to be deleterious by in silico analysis. Based on the available evidence, the clinical significance of this variant remains unclear.

Labcorp Genetics (formerly Invitae), Labcorp
Classification: Uncertain significance for Mosaic variegated aneuploidy syndrome 2. Last evaluated: 2023-08-10. Review status: criteria provided, single submitter. Criteria: Invitae Variant Classification Sherloc (09022015). Collection method: clinical testing. Allele origin: germline.
Comment: This sequence change replaces isoleucine, which is neutral and non-polar, with threonine, which is neutral and polar, at codon 154 of the CEP57 protein (p.Ile154Thr). This variant is not present in population databases (gnomAD no frequency). This variant has not been reported in the literature in individuals affected with CEP57-related conditions. ClinVar contains an entry for this variant (Variation ID: 1398478). Advanced modeling of protein sequence and biophysical properties (such as structural, functional, and spatial information, amino acid conservation, physicochemical variation, residue mobility, and thermodynamic stability) performed at Invitae indicates that this missense variant is not expected to disrupt CEP57 protein function. In summary, the available evidence is currently insufficient to determine the role of this variant in disease. Therefore, it has been classified as a Variant of Uncertain Significance.

NM_014679.5(CEP57):c.461T>C (p.Ile154Thr)

Gene: CEP57 (centrosomal protein 57; plus strand). Cytogenetic location: 11q21.
Variant type: single nucleotide variant.
Coding change: c.461T>C on transcript NM_014679.5 (MANE Select); coding-DNA position 461, T replaced by C.
Protein change: p.Ile154Thr; replaces isoleucine 154 with threonine.
Molecular consequence: missense variant.
Genome position (GRCh38, 1-based): chr11:95,813,546, T>C. VCF-style: chr11-95813546-T-C. GRCh37 (hg19) VCF-style: chr11-95546710-T-C.
Other names: c.434T>C, p.Ile145Thr (NM_001243776.2); c.461T>C, p.Ile154Thr (NM_001243777.2); c.380T>C, p.Ile127Thr (NM_001363604.2); c.461T>C (NM_014679.4); short protein forms I154T, I127T, I145T.
Identifiers: ClinVar variation 1398478 (VCV001398478.10), dbSNP rs889087291, ClinGen allele CA226629226.
Genomic context (GRCh38, chr11:95,813,546, plus strand): 5'-TAGCTGCAGAAAATAAATGCAATCTATTAGAAAAACAATTGGAATACATGCGAAATATGA[T>C]AAAGCATGCCGAAATGGAGAGGACATCTGTCTTAGAGAAACAAGTAAGTAAAGCACCTCA-3'
Protein context (NP_055494.2, residues 144-164): EKQLEYMRNM[Ile154Thr]KHAEMERTSV